The following is an entry in ClinVar:

NM_144736.5(NDUFAF7):c.681+12_681+13del

Gene: NDUFAF7 (NADH:ubiquinone oxidoreductase complex assembly factor 7; plus strand). Cytogenetic location: 2p22.2.
Variant type: Deletion.
Coding change: c.681+12_681+13del on transcript NM_144736.5 (MANE Select); bases 12 to 13 of the intron after coding-DNA position 681, 2 bases deleted (GG; older notation c.681+12_681+13delGG).
Molecular consequence: intron variant.
Genome position (GRCh38, 1-based): chr2:37,242,705-37,242,706, GG deleted; deleting any 2 consecutive bases within chr2:37,242,701-37,242,706 gives the same sequence; the c. name uses the placement nearest the transcript's 3' end. VCF-style (leftmost placement, unchanged base first): chr2-37242700-AGG-A. GRCh37 (hg19) VCF-style: chr2-37469843-AGG-A.
Other names: c.681+12_681+13del (NM_001350024.2); c.468+1068_468+1069del (NM_001350027.2); c.600+12_600+13del (NM_001350025.2); c.387+1068_387+1069del (NM_001083946.2); c.681+12_681+13delGG (NM_144736.4).
Identifiers: ClinVar variation 214753 (VCV000214753.1), dbSNP rs863224093, ClinGen allele CA325053.
Genomic context (GRCh38, chr2:37,242,700, plus strand): 5'-AGCTTTTATCTTGCACATGAATTTTTTGATGTTCTTCCTGTGCATAAATTTCAGGTATTG[AGG>A]GGGGAAAAAAGTCATGTCTATAATTGAATACAAAAGGCATTGTGTTGCCAATGTTTATGG-3'

ClinVar aggregate classification (germline): Benign (1 of 4 stars; one submission).

Submission:

GeneDx
Classification: Benign. Last evaluated: 2014-08-21. Review status: criteria provided, single submitter. Criteria: GeneDx Variant Classification (06012015). Collection method: clinical testing. Allele origin: germline. Affected: yes.
Comment: The variant is found in MITONUC-MITOP panel(s).